The following is an entry in ClinVar:

ClinVar aggregate classification (germline): Uncertain significance (1 of 4 stars; one submission).

gnomAD v4.1: 10 of 1,609,018 alleles (0.00062%); highest among the groups gnomAD compares: South Asian, 0.0011%; no homozygotes.

Submission:

Labcorp Genetics (formerly Invitae), Labcorp
Classification: Uncertain significance. Last evaluated: 2025-05-04. Review status: criteria provided, single submitter. Criteria: Invitae Variant Classification Sherloc (09022015). Collection method: clinical testing. Allele origin: germline.
Comment: This sequence change replaces aspartic acid, which is acidic and polar, with asparagine, which is neutral and polar, at codon 189 of the TNNT3 protein (p.Asp189Asn). This variant is present in population databases (rs778613532, gnomAD 0.002%). This variant has not been reported in the literature in individuals affected with TNNT3-related conditions. An algorithm developed to predict the effect of missense changes on protein structure and function (PolyPhen-2) suggests that this variant is likely to be disruptive. In summary, the available evidence is currently insufficient to determine the role of this variant in disease. Therefore, it has been classified as a Variant of Uncertain Significance.

NM_006757.4(TNNT3):c.565G>A (p.Asp189Asn)

Gene: TNNT3 (troponin T3, fast skeletal type; plus strand). Cytogenetic location: 11p15.5.
Variant type: single nucleotide variant.
Coding change: c.565G>A on transcript NM_006757.4 (MANE Select); coding-DNA position 565, G replaced by A.
Protein change: p.Asp189Asn; replaces aspartic acid 189 with asparagine.
Molecular consequence: missense variant.
Genome position (GRCh38, 1-based): chr11:1,934,630, G>A. VCF-style: chr11-1934630-G-A. GRCh37 (hg19) VCF-style: chr11-1955860-G-A.
Other names: c.541G>A, p.Asp181Asn (NM_001042780.3, NM_001042782.3, NM_001297646.2 and 2 more transcripts); c.559G>A, p.Asp187Asn (NM_001042781.3, NM_001367842.1, NM_001367843.1); c.574G>A, p.Asp192Asn (NM_001363561.2, NM_001367847.1); c.598G>A, p.Asp200Asn (NM_001367846.1); c.562G>A, p.Asp188Asn (NM_001367848.1); c.553G>A, p.Asp185Asn (NM_001367849.1); c.508G>A, p.Asp170Asn (NM_001367850.1); c.361G>A, p.Asp121Asn (NM_001367851.1, NM_001367852.1); short protein forms D181N, D188N, D189N, D192N, D200N, D170N, D121N, D185N.
Identifiers: ClinVar variation 4762470 (VCV004762470.1).